The following is an entry in ClinVar:

ClinVar aggregate classification (germline): Uncertain significance (1 of 4 stars; one submission).

Conditions:
Hereditary hyperferritinemia with congenital cataracts. Also called: Hereditary hyperferritinemia cataract syndrome; Bonneau-Beaumont syndrome; HYPERFERRITINEMIA WITH OR WITHOUT CATARACT. Identifiers: Orphanet 163, MedGen C1833213, MONDO:0010952, OMIM 600886.
Neuroferritinopathy (NBIA3). Also called: NEURODEGENERATION WITH BRAIN IRON ACCUMULATION 3; BASAL GANGLIA DISEASE, ADULT-ONSET. Identifiers: Orphanet 157846, MedGen C1853578, MONDO:0011638, OMIM 606159.

Submission:

Labcorp Genetics (formerly Invitae), Labcorp
Classification: Uncertain significance for Neuroferritinopathy; Hereditary hyperferritinemia with congenital cataracts. Last evaluated: 2022-07-06. Review status: criteria provided, single submitter. Criteria: Invitae Variant Classification Sherloc (09022015). Collection method: clinical testing. Allele origin: germline.
Comment: ClinVar contains an entry for this variant (Variation ID: 1463366). In summary, the available evidence is currently insufficient to determine the role of this variant in disease. Therefore, it has been classified as a Variant of Uncertain Significance. Algorithms developed to predict the effect of missense changes on protein structure and function (SIFT, PolyPhen-2, Align-GVGD) all suggest that this variant is likely to be tolerated. This variant has not been reported in the literature in individuals affected with FTL-related conditions. This variant is not present in population databases (gnomAD no frequency). This sequence change replaces aspartic acid, which is acidic and polar, with asparagine, which is neutral and polar, at codon 42 of the FTL protein (p.Asp42Asn).

NM_000146.4(FTL):c.124G>A (p.Asp42Asn)

Gene: FTL (ferritin light chain; plus strand). Cytogenetic location: 19q13.33.
Variant type: single nucleotide variant.
Coding change: c.124G>A on transcript NM_000146.4 (MANE Select); coding-DNA position 124, G replaced by A.
Protein change: p.Asp42Asn; replaces aspartic acid 42 with asparagine.
Molecular consequence: missense variant.
Genome position (GRCh38, 1-based): chr19:48,965,791, G>A. VCF-style: chr19-48965791-G-A. GRCh37 (hg19) VCF-style: chr19-49469048-G-A.
Other names: short protein forms D42N.
Identifiers: ClinVar variation 1463366 (VCV001463366.6), dbSNP rs11553257, ClinGen allele CA406756067.
Genomic context (GRCh38, chr19:48,965,791, plus strand): 5'-CCTCCCGCTAACCATTGTTGCCTCCATCTCTTCCCGTAGGGCTTCTATTTCGACCGCGAT[G>A]ATGTGGCTCTGGAAGGCGTGAGCCACTTCTTCCGCGAATTGGCCGAGGAGAAGCGCGAGG-3'
Protein context (NP_000137.2, residues 32-52): LSLGFYFDRD[Asp42Asn]VALEGVSHFF